The following is an entry in ClinVar:

NM_007294.4(BRCA1):c.-45G>C

Genes: BRCA1 (BRCA1 DNA repair associated; minus strand), LOC111589215 (BRCA1 promoter region; plus strand). Cytogenetic location: 17q21.31.
Variant type: single nucleotide variant.
Coding change: c.-45G>C on transcript NM_007294.4 (MANE Select); 45 bases upstream of the start codon, G replaced by C.
Molecular consequence: 5 prime UTR variant. On other transcripts: non-coding transcript variant (1).
Genome position (GRCh38, 1-based): chr17:43,125,296, C>G on the plus strand (G>C on the coding strand, the complement: BRCA1 is on the minus strand). VCF-style: chr17-43125296-C-G. GRCh37 (hg19) VCF-style: chr17-41277313-C-G.
Other names: c.-126G>C (NM_007297.4); c.-39G>C (NM_007299.4); c.-45G>C (NM_007300.4).
Identifiers: ClinVar variation 384121 (VCV000384121.1), dbSNP rs1057521869, ClinGen allele CA16607291.
Genomic context (GRCh38, chr17:43,125,296, plus strand): 5'-TTGGGCCCCCTGTCCCTTTCCCGGGACTCTACTACCTTTACCCAGAGCAGAGGGTGAAGG[C>G]CTCCTGAGCGCAGGGGCCCAGTTATCTGAGAAACCCCACAGCCTGTCCCCCGTCCAGGAA-3'

ClinVar aggregate classification (germline): Likely benign (1 of 4 stars; one submission).

Allele frequency attached by ClinVar (database versions not stated): gnomAD exomes 0.00001 and 0.00002; TOPMed 0.00001.
gnomAD v4.1: 4 of 456,312 alleles (0.00088%); highest among the groups gnomAD compares: Non-Finnish European, 0.0013%; no homozygotes.

Submission:

GeneDx
Classification: Likely benign. Last evaluated: 2017-10-24. Review status: criteria provided, single submitter. Criteria: GeneDx Variant Classification (06012015). Collection method: clinical testing. Allele origin: germline. Affected: yes.
Comment: This variant is considered likely benign or benign based on one or more of the following criteria: it is a conservative change, it occurs at a poorly conserved position in the protein, it is predicted to be benign by multiple in silico algorithms, and/or has population frequency not consistent with disease.